The following is an entry in ClinVar:

ClinVar aggregate classification (germline): Benign/Likely benign. Review status: criteria provided, multiple submitters, no conflicts (2 of 4 stars). 2 submissions from 2 submitters: Benign (1); Likely benign (1). Last evaluated 2025-10-01.

Conditions:
Charcot-Marie-Tooth disease axonal type 2U. Also called: CHARCOT-MARIE-TOOTH NEUROPATHY, TYPE 2U; CHARCOT-MARIE-TOOTH DISEASE, AXONAL, AUTOSOMAL DOMINANT, TYPE 2U. Identifiers: Orphanet 397735, MedGen C4084821, MONDO:0014566, OMIM 616280.
Severe early-onset pulmonary alveolar proteinosis due to MARS deficiency. Also called: PULMONARY ALVEOLAR PROTEINOSIS, REUNION ISLAND; Interstitial lung and liver disease. Identifiers: Orphanet 440427, MedGen C4225400, MONDO:0014206, OMIM 615486.

Allele frequency attached by ClinVar (database versions not stated): ESP Exome Variant Server 0.00192; 1000 Genomes Project 30x 0.00203; TOPMed 0.00224; gnomAD exomes 0.00022 and 0.00063; ExAC 0.00063; 1000 Genomes Project 0.00160.
gnomAD v4.1: 656 of 1,611,568 alleles (0.041%); highest among the groups gnomAD compares: African/African-American, 0.76%; 1 homozygote.

Submissions (2):

Labcorp Genetics (formerly Invitae), Labcorp
Classification: Benign for Charcot-Marie-Tooth disease axonal type 2U; Severe early-onset pulmonary alveolar proteinosis due to MARS deficiency. Last evaluated: 2025-10-01. Review status: criteria provided, single submitter. Criteria: Invitae Variant Classification Sherloc (09022015). Collection method: clinical testing. Allele origin: germline.

GeneDx
Classification: Likely benign. Last evaluated: 2017-06-09. Review status: criteria provided, single submitter. Criteria: GeneDx Variant Classification (06012015). Collection method: clinical testing. Allele origin: germline. Affected: yes.
Comment: This variant is considered likely benign or benign based on one or more of the following criteria: it is a conservative change, it occurs at a poorly conserved position in the protein, it is predicted to be benign by multiple in silico algorithms, and/or has population frequency not consistent with disease.

NM_004990.4(MARS1):c.490+14A>G

Gene: MARS1 (methionyl-tRNA synthetase 1; plus strand). Cytogenetic location: 12q13.3.
Variant type: single nucleotide variant.
Coding change: c.490+14A>G on transcript NM_004990.4 (MANE Select); 14 bases into the intron after coding-DNA position 490, A replaced by G.
Molecular consequence: intron variant.
Genome position (GRCh38, 1-based): chr12:57,489,985, A>G. VCF-style: chr12-57489985-A-G. GRCh37 (hg19) VCF-style: chr12-57883768-A-G.
Identifiers: ClinVar variation 388660 (VCV000388660.9), dbSNP rs74832951, ClinGen allele CA6650189.